The following is an entry in ClinVar:

NM_006231.4(POLE):c.4492G>A (p.Ala1498Thr)

Gene: POLE (DNA polymerase epsilon, catalytic subunit; minus strand). Cytogenetic location: 12q24.33.
Variant type: single nucleotide variant.
Coding change: c.4492G>A on transcript NM_006231.4 (MANE Select); coding-DNA position 4492, G replaced by A.
Protein change: p.Ala1498Thr; replaces alanine 1498 with threonine.
Molecular consequence: missense variant.
Genome position (GRCh38, 1-based): chr12:132,643,283, C>T on the plus strand (G>A on the coding strand, the complement: POLE is on the minus strand). VCF-style: chr12-132643283-C-T. GRCh37 (hg19) VCF-style: chr12-133219869-C-T.
Other names: c.4492G>A (NM_006231.2); short protein forms A1498T.
Identifiers: ClinVar variation 835393 (VCV000835393.12), dbSNP rs757232557, ClinGen allele CA6892825.
Genomic context (GRCh38, chr12:132,643,283, plus strand): 5'-CAGTGTCCAGCACAAAGACGGATGCCCTGCGCTGTGAGGGGATGAAGATCCCGAAGAGCG[C>T]TTTGTGGGCCTGTGCGTGGTGGTACAGGTAGATATGGCGGATACTCCCTGGAGAAGGAAA-3'
Protein context (NP_006222.2, residues 1488-1508): YLYHHAQAHK[Ala1498Thr]LFGIFIPSQR

ClinVar aggregate classification (germline): Uncertain significance. Review status: criteria provided, multiple submitters, no conflicts (2 of 4 stars). 3 submissions from 3 submitters: Uncertain significance (3). Last evaluated 2025-10-11.

Conditions:
Hereditary cancer-predisposing syndrome. Also called: Hereditary neoplastic syndrome; Neoplastic Syndromes, Hereditary; Tumor predisposition; Hereditary Cancer Syndrome. Identifiers: Orphanet 140162, MedGen C0027672, MeSH D009386, MONDO:0015356.

gnomAD v4.1: 7 of 1,613,938 alleles (0.00043%); highest among the groups gnomAD compares: South Asian, 0.0077%; no homozygotes.

Submissions (3):

Labcorp Genetics (formerly Invitae), Labcorp
Classification: Uncertain significance. Last evaluated: 2025-10-11. Review status: criteria provided, single submitter. Criteria: Invitae Variant Classification Sherloc (09022015). Collection method: clinical testing. Allele origin: germline.
Comment: This sequence change replaces alanine, which is neutral and non-polar, with threonine, which is neutral and polar, at codon 1498 of the POLE protein (p.Ala1498Thr). This variant is present in population databases (rs757232557, gnomAD 0.007%). This variant has not been reported in the literature in individuals affected with POLE-related conditions. ClinVar contains an entry for this variant (Variation ID: 835393). Invitae Evidence Modeling of protein sequence and biophysical properties (such as structural, functional, and spatial information, amino acid conservation, physicochemical variation, residue mobility, and thermodynamic stability) indicates that this missense variant is not expected to disrupt POLE protein function with a negative predictive value of 80%. In summary, the available evidence is currently insufficient to determine the role of this variant in disease. Therefore, it has been classified as a Variant of Uncertain Significance.

Center for Genomic Medicine, Rigshospitalet, Copenhagen University Hospital
Classification: Uncertain significance. Last evaluated: 2025-03-04. Review status: criteria provided, single submitter. Criteria: ACMG Guidelines, 2015. Collection method: clinical testing. Allele origin: germline.

Ambry Genetics
Classification: Uncertain significance for Hereditary cancer-predisposing syndrome. Last evaluated: 2023-10-27. Review status: criteria provided, single submitter. Criteria: Ambry Variant Classification Scheme 2023. Collection method: clinical testing. Allele origin: germline.
Comment: The p.A1498T variant (also known as c.4492G>A), located in coding exon 35 of the POLE gene, results from a G to A substitution at nucleotide position 4492. The alanine at codon 1498 is replaced by threonine, an amino acid with similar properties. This amino acid position is conserved. In addition, the in silico prediction for this alteration is inconclusive. Since supporting evidence is limited at this time, the clinical significance of this alteration remains unclear.